The following is an entry in ClinVar:

NM_003036.4(SKI):c.1651G>T (p.Gly551Cys)

Gene: SKI (SKI proto-oncogene; plus strand). Cytogenetic location: 1p36.32.
Variant type: single nucleotide variant.
Coding change: c.1651G>T on transcript NM_003036.4 (MANE Select); coding-DNA position 1651, G replaced by T.
Protein change: p.Gly551Cys; replaces glycine 551 with cysteine.
Molecular consequence: missense variant.
Genome position (GRCh38, 1-based): chr1:2,304,469, G>T. VCF-style: chr1-2304469-G-T. GRCh37 (hg19) VCF-style: chr1-2235908-G-T.
Other names: short protein forms G551C.
Identifiers: ClinVar variation 943761 (VCV000943761.14), dbSNP rs1225179301, ClinGen allele CA337957609.

ClinVar aggregate classification (germline): Uncertain significance. Review status: criteria provided, multiple submitters, no conflicts (2 of 4 stars). 3 submissions from 3 submitters: Uncertain significance (3). Last evaluated 2025-12-04.

Conditions:
Familial thoracic aortic aneurysm and aortic dissection (TAAD). Also called: Thoracic aortic aneurysms and dissections. Identifiers: Orphanet 91387, MedGen C4707243, MONDO:0019625.
Shprintzen-Goldberg syndrome (SGS). Also called: CRANIOSYNOSTOSIS WITH ARACHNODACTYLY AND ABDOMINAL HERNIAS; SHPRINTZEN-GOLDBERG CRANIOSYNOSTOSIS SYNDROME; Marfanoid disorder with craniosynostosis type 1; Marfanoid craniosynostosis syndrome; Shprintzen-Goldberg marfanoid syndrome. Identifiers: Orphanet 2462, MedGen C1321551, MONDO:0008426, OMIM 182212.

Allele frequency attached by ClinVar (database versions not stated): gnomAD below 0.00001 and 0.00002; 1000 Genomes Project 30x 0.00031.
gnomAD v4.1: 5 of 1,571,950 alleles (0.00032%); highest among the groups gnomAD compares: South Asian, 0.0058%; no homozygotes.

Submissions (3):

Ambry Genetics
Classification: Uncertain significance for Familial thoracic aortic aneurysm and aortic dissection. Last evaluated: 2025-12-04. Review status: criteria provided, single submitter. Criteria: Ambry Variant Classification Scheme 2023. Collection method: clinical testing. Allele origin: germline.

Blueprint Genetics
Classification: Uncertain significance. Last evaluated: 2024-04-16. Review status: criteria provided, single submitter. Criteria: ACMG Guidelines, 2015. Collection method: clinical testing. Allele origin: germline.

Labcorp Genetics (formerly Invitae), Labcorp
Classification: Uncertain significance for Shprintzen-Goldberg syndrome. Last evaluated: 2022-07-11. Review status: criteria provided, single submitter. Criteria: Invitae Variant Classification Sherloc (09022015). Collection method: clinical testing. Allele origin: germline.
Comment: This variant has not been reported in the literature in individuals affected with SKI-related conditions. ClinVar contains an entry for this variant (Variation ID: 943761). Advanced modeling of protein sequence and biophysical properties (such as structural, functional, and spatial information, amino acid conservation, physicochemical variation, residue mobility, and thermodynamic stability) performed at Invitae indicates that this missense variant is not expected to disrupt SKI protein function. In summary, the available evidence is currently insufficient to determine the role of this variant in disease. Therefore, it has been classified as a Variant of Uncertain Significance. This sequence change replaces glycine, which is neutral and non-polar, with cysteine, which is neutral and slightly polar, at codon 551 of the SKI protein (p.Gly551Cys). This variant is not present in population databases (gnomAD no frequency).